The following is an entry in ClinVar:

NM_007294.4(BRCA1):c.4424A>T (p.Asp1475Val)

Gene: BRCA1 (BRCA1 DNA repair associated; minus strand). Cytogenetic location: 17q21.31.
Variant type: single nucleotide variant.
Coding change: c.4424A>T on transcript NM_007294.4 (MANE Select); coding-DNA position 4424, A replaced by T.
Protein change: p.Asp1475Val; replaces aspartic acid 1475 with valine.
Molecular consequence: missense variant. On other transcripts: intron variant (3).
Genome position (GRCh38, 1-based): chr17:43,076,548, T>A on the plus strand (A>T on the coding strand, the complement: BRCA1 is on the minus strand). VCF-style: chr17-43076548-T-A. GRCh37 (hg19) VCF-style: chr17-41228565-T-A.
Other names: c.4277A>T, p.Asp1426Val (NM_001407851.1, NM_001407852.1, NM_001407853.1 and 12 more transcripts); c.4424A>T, p.Asp1475Val (NM_001407854.1, NM_001407593.1, NM_001407594.1 and 8 more transcripts); c.4421A>T, p.Asp1474Val (NM_001407858.1, NM_001407859.1, NM_001407860.1 and 17 more transcripts); c.4418A>T, p.Asp1473Val (NM_001407861.1, NM_001407627.1, NM_001407628.1 and 14 more transcripts); c.4223A>T, p.Asp1408Val (NM_001407862.1); c.4214A>T, p.Asp1405Val (NM_001407879.1, NM_001407881.1, NM_001407884.1 and 5 more transcripts); c.4217A>T, p.Asp1406Val (NM_001407874.1, NM_001407875.1); c.4298A>T, p.Asp1433Val (NM_001407863.1, NM_001407670.1, NM_001407671.1 and 11 more transcripts); and 71 more; short protein forms D1178V, D1179V, D1306V, D1346V, D1347V, D1348V, D1362V, D1363V.
Identifiers: ClinVar variation 4756458 (VCV004756458.1).

ClinVar aggregate classification (germline): Uncertain significance (1 of 4 stars; one submission).

Conditions:
Hereditary cancer-predisposing syndrome. Also called: Tumor predisposition; Hereditary Cancer Syndrome; Neoplastic Syndromes, Hereditary; Hereditary neoplastic syndrome. Identifiers: Orphanet 140162, MedGen C0027672, MeSH D009386, MONDO:0015356.

Submission:

Color Diagnostics, LLC DBA Color Health
Classification: Uncertain significance for Hereditary cancer-predisposing syndrome. Last evaluated: 2025-09-22. Review status: criteria provided, single submitter. Criteria: ACMG Guidelines, 2015. Collection method: clinical testing. Allele origin: germline.
Comment: This missense variant replaces aspartic acid with valine at codon 1475 of the BRCA1 protein. Computational prediction suggests that this variant may not impact protein structure and function. To our knowledge, functional studies have not been reported for this variant. This variant has not been reported in individuals affected with BRCA1-related disorders in the literature. This variant has not been identified in the general population by the Genome Aggregation Database (gnomAD). The available evidence is insufficient to determine the role of this variant in disease conclusively. Therefore, this variant is classified as a Variant of Uncertain Significance.